The following is an entry in ClinVar:

NM_005732.4(RAD50):c.2450A>G (p.Gln817Arg)

Gene: RAD50 (RAD50 double strand break repair protein; plus strand). Cytogenetic location: 5q31.1.
Variant type: single nucleotide variant.
Coding change: c.2450A>G on transcript NM_005732.4 (MANE Select); coding-DNA position 2450, A replaced by G.
Protein change: p.Gln817Arg; replaces glutamine 817 with arginine.
Molecular consequence: missense variant.
Genome position (GRCh38, 1-based): chr5:132,603,972, A>G. VCF-style: chr5-132603972-A-G. GRCh37 (hg19) VCF-style: chr5-131939664-A-G.
Other names: short protein forms Q817R.
Identifiers: ClinVar variation 480450 (VCV000480450.14), dbSNP rs1241585124, ClinGen allele CA360955564.

ClinVar aggregate classification (germline): Uncertain significance. Review status: criteria provided, multiple submitters, no conflicts (2 of 4 stars). 2 submissions from 2 submitters: Uncertain significance (2). Last evaluated 2025-04-28.

Conditions:
Hereditary cancer-predisposing syndrome. Also called: Hereditary Cancer Syndrome; Neoplastic Syndromes, Hereditary; Tumor predisposition; Hereditary neoplastic syndrome. Identifiers: Orphanet 140162, MedGen C0027672, MeSH D009386, MONDO:0015356.

Allele frequency attached by ClinVar (database versions not stated): gnomAD exomes below 0.00001; TOPMed below 0.00001; gnomAD 0.00001.
gnomAD v4.1: 4 of 1,612,566 alleles (0.00025%); highest among the groups gnomAD compares: Admixed American, 0.0033%; no homozygotes.

Submissions (2):

Labcorp Genetics (formerly Invitae), Labcorp
Classification: Uncertain significance for Hereditary cancer-predisposing syndrome. Last evaluated: 2025-04-28. Review status: criteria provided, single submitter. Criteria: Invitae Variant Classification Sherloc (09022015). Collection method: clinical testing. Allele origin: germline.
Comment: This sequence change replaces glutamine, which is neutral and polar, with arginine, which is basic and polar, at codon 817 of the RAD50 protein (p.Gln817Arg). This variant is not present in population databases (gnomAD no frequency). This variant has not been reported in the literature in individuals affected with RAD50-related conditions. ClinVar contains an entry for this variant (Variation ID: 480450). Invitae Evidence Modeling of protein sequence and biophysical properties (such as structural, functional, and spatial information, amino acid conservation, physicochemical variation, residue mobility, and thermodynamic stability) indicates that this missense variant is not expected to disrupt RAD50 protein function with a negative predictive value of 80%. In summary, the available evidence is currently insufficient to determine the role of this variant in disease. Therefore, it has been classified as a Variant of Uncertain Significance.

Ambry Genetics
Classification: Uncertain significance for Hereditary cancer-predisposing syndrome. Last evaluated: 2024-08-12. Review status: criteria provided, single submitter. Criteria: Ambry Variant Classification Scheme 2023. Collection method: clinical testing. Allele origin: germline.
Comment: The p.Q817R variant (also known as c.2450A>G), located in coding exon 15 of the RAD50 gene, results from an A to G substitution at nucleotide position 2450. The glutamine at codon 817 is replaced by arginine, an amino acid with highly similar properties. This amino acid position is well conserved in available vertebrate species. In addition, this alteration is predicted to be tolerated by in silico analysis. Since supporting evidence is limited at this time, the clinical significance of this alteration remains unclear.